The following is an entry in ClinVar:

NM_012414.4(RAB3GAP2):c.304+12A>G

Gene: RAB3GAP2 (RAB3 GTPase activating non-catalytic protein subunit 2; minus strand). Cytogenetic location: 1q41.
Variant type: single nucleotide variant.
Coding change: c.304+12A>G on transcript NM_012414.4 (MANE Select); 12 bases into the intron after coding-DNA position 304, A replaced by G.
Molecular consequence: intron variant.
Genome position (GRCh38, 1-based): chr1:220,213,844, T>C on the plus strand (A>G on the coding strand, the complement: RAB3GAP2 is on the minus strand). VCF-style: chr1-220213844-T-C. GRCh37 (hg19) VCF-style: chr1-220387186-T-C.
Identifiers: ClinVar variation 295671 (VCV000295671.10), dbSNP rs530311696, ClinGen allele CA1403072.
Genomic context (GRCh38, chr1:220,213,844, plus strand): 5'-TTTCACCTAATCCATTTTCTCTTCTATCCAATGTATCAAAATAAAGGTCGCTGAAAATAA[T>C]AGGATACTCACGCACTAGAAATACAGCTTTTTGCTCTCGAGCTATCACCATAAGATCATT-3'

ClinVar aggregate classification (germline): Benign/Likely benign. Review status: criteria provided, multiple submitters, no conflicts (2 of 4 stars). 5 submissions from 4 submitters: Benign (1); Likely benign (4). Last evaluated 2025-09-28.

Conditions:
Warburg micro syndrome 2 (WARBM2). Also called: MICRO SYNDROME 2. Identifiers: Orphanet 2510, MedGen C3280214, MONDO:0013641, OMIM 614225.
Martsolf syndrome (MARTS). Also called: Congenital cataract with intellectual disability and hypogonadotropic hypogonadism syndrome. Identifiers: Orphanet 1387, MedGen C0796037, MONDO:0023910.

Allele frequency attached by ClinVar (database versions not stated): gnomAD below 0.00001 and 0.00015; TOPMed 0.00002; gnomAD exomes 0.00033 and 0.00066; ExAC 0.00070; 1000 Genomes Project 0.00080; 1000 Genomes Project 30x 0.00109.
gnomAD v4.1: 504 of 1,610,840 alleles (0.031%); highest among the groups gnomAD compares: South Asian, 0.52%; 5 homozygotes.

Submissions (5):

Labcorp Genetics (formerly Invitae), Labcorp
Classification: Benign for Martsolf syndrome; Warburg micro syndrome 2. Last evaluated: 2025-09-28. Review status: criteria provided, single submitter. Criteria: Invitae Variant Classification Sherloc (09022015). Collection method: clinical testing. Allele origin: germline.

Blueprint Genetics
Classification: Likely benign. Last evaluated: 2024-10-28. Review status: criteria provided, single submitter. Criteria: ACMG Guidelines, 2015. Collection method: clinical testing. Allele origin: germline.

Illumina Laboratory Services, Illumina
Classification: Likely benign for Martsolf syndrome 1. Last evaluated: 2018-01-12. Review status: criteria provided, single submitter. Criteria: ICSL Variant Classification Criteria 13 December 2019. Collection method: clinical testing. Allele origin: germline.
Comment: This variant was observed in the ICSL laboratory as part of a predisposition screen in an ostensibly healthy population. It had not been previously curated by ICSL or reported in the Human Gene Mutation Database (HGMD: prior to June 1st, 2018), and was therefore a candidate for classification through an automated scoring system. Utilizing variant allele frequency, disease prevalence and penetrance estimates, and inheritance mode, an automated score was calculated to assess if this variant is too frequent to cause the disease. Based on the score and internal cut-off values, a variant classified as likely benign is not then subjected to further curation. The score for this variant resulted in a classification of likely benign for this disease.

Illumina Laboratory Services, Illumina
Classification: Likely benign for Warburg micro syndrome 2. Last evaluated: 2018-01-12. Review status: criteria provided, single submitter. Criteria: ICSL Variant Classification Criteria 13 December 2019. Collection method: clinical testing. Allele origin: germline.
Comment: the same text as in the submission from Illumina Laboratory Services, Illumina above.

GeneDx
Classification: Likely benign. Last evaluated: 2017-02-10. Review status: criteria provided, single submitter. Criteria: GeneDx Variant Classification (06012015). Collection method: clinical testing. Allele origin: germline. Affected: yes.
Comment: This variant is considered likely benign or benign based on one or more of the following criteria: it is a conservative change, it occurs at a poorly conserved position in the protein, it is predicted to be benign by multiple in silico algorithms, and/or has population frequency not consistent with disease.